The following is an entry in ClinVar:

ClinVar aggregate classification (germline): Uncertain significance. Review status: criteria provided, multiple submitters, no conflicts (2 of 4 stars). 2 submissions from 2 submitters: Uncertain significance (2). Last evaluated 2025-09-24.

Conditions:
Long QT syndrome (LQTS). Identifiers: MedGen C0023976, MeSH D008133, MONDO:0002442. Disease mechanism: loss of function. Inheritance: Various modes of inheritance.
Cardiovascular phenotype. Identifiers: MedGen CN230736.

Submissions (2):

Labcorp Genetics (formerly Invitae), Labcorp
Classification: Uncertain significance for Long QT syndrome. Last evaluated: 2025-09-24. Review status: criteria provided, single submitter. Criteria: Invitae Variant Classification Sherloc (09022015). Collection method: clinical testing. Allele origin: germline.
Comment: This sequence change replaces serine, which is neutral and polar, with leucine, which is neutral and non-polar, at codon 250 of the KCNH2 protein (p.Ser250Leu). This variant is not present in population databases (gnomAD no frequency). This variant has not been reported in the literature in individuals affected with KCNH2-related conditions. ClinVar contains an entry for this variant (Variation ID: 3626376). An algorithm developed to predict the effect of missense changes on protein structure and function (PolyPhen-2) suggests that this variant is likely to be disruptive. In summary, the available evidence is currently insufficient to determine the role of this variant in disease. Therefore, it has been classified as a Variant of Uncertain Significance.

Ambry Genetics
Classification: Uncertain significance for Cardiovascular phenotype. Last evaluated: 2025-09-03. Review status: criteria provided, single submitter. Criteria: Ambry Variant Classification Scheme 2023. Collection method: clinical testing. Allele origin: germline.
Comment: The p.S250L variant (also known as c.749C>T), located in coding exon 4 of the KCNH2 gene, results from a C to T substitution at nucleotide position 749. The serine at codon 250 is replaced by leucine, an amino acid with dissimilar properties. This amino acid position is not well conserved in available vertebrate species. In addition, the in silico prediction for this alteration is inconclusive. Based on the available evidence, the clinical significance of this variant remains unclear.

NM_000238.4(KCNH2):c.749C>T (p.Ser250Leu)

Gene: KCNH2 (potassium voltage-gated channel subfamily H member 2; minus strand). Cytogenetic location: 7q36.1.
Variant type: single nucleotide variant.
Coding change: c.749C>T on transcript NM_000238.4 (MANE Select); coding-DNA position 749, C replaced by T.
Protein change: p.Ser250Leu; replaces serine 250 with leucine.
Molecular consequence: missense variant. On other transcripts: non-coding transcript variant (1).
Genome position (GRCh38, 1-based): chr7:150,958,226, G>A on the plus strand (C>T on the coding strand, the complement: KCNH2 is on the minus strand). VCF-style: chr7-150958226-G-A. GRCh37 (hg19) VCF-style: chr7-150655314-G-A.
Other names: c.461C>T, p.Ser154Leu (NM_001406753.1, NM_001406756.1); c.572C>T, p.Ser191Leu (NM_001406755.1); c.449C>T, p.Ser150Leu (NM_001406757.1); c.749C>T, p.Ser250Leu (NM_172056.3); short protein forms S150L, S154L, S191L, S250L.
Identifiers: ClinVar variation 3626376 (VCV003626376.3).
Genomic context (GRCh38, chr7:150,958,226, plus strand): 5'-GTCCGGGCCAGGCTGCAGCTGGAGCCCGAGGCGTCGGGGTTGAGGCTGTGCGCCCGGGGC[G>A]ATGGGAGCTGGCCGGGCGCGCTGCGGGGCGGAGAGCCGGGACCCACCAGCGCACGCCGCT-3'
Protein context (NP_000229.1, residues 240-260): PPRSAPGQLP[Ser250Leu]PRAHSLNPDA